The following is an entry in ClinVar:

ClinVar aggregate classification (germline): Likely benign (1 of 4 stars; one submission).

Submission:

CeGaT Center for Human Genetics Tuebingen
Classification: Likely benign. Last evaluated: 2024-08-01. Review status: criteria provided, single submitter. Criteria: CeGaT Center For Human Genetics Tuebingen Variant Classification Criteria Version 2. Collection method: clinical testing. Allele origin: germline. Affected: yes. Observed: 2 variant alleles.
Comment: DSPP: PM4, BS1, BS2

NM_014208.3(DSPP):c.3570_3578del (p.1181SDS[16])

Genes: DMP1-AS1 (DMP1 and DSPP antisense RNA 1; minus strand), DSPP (dentin sialophosphoprotein; plus strand). Cytogenetic location: 4q22.1.
Variant type: Deletion.
Coding change: c.3570_3578del on transcript NM_014208.3 (MANE Select); coding-DNA positions 3570 to 3578, 9 bases deleted (TGACAGCAG; older notation c.3570_3578delTGACAGCAG).
Protein change: p.1181SDS[16].
Molecular consequence: inframe deletion.
Genome position (GRCh38, 1-based): chr4:87,616,232-87,616,240, TGACAGCAG deleted; deleting any 9 consecutive bases within chr4:87,616,227-87,616,240 gives the same sequence; the c. name uses the placement nearest the transcript's 3' end. VCF-style (leftmost placement, unchanged base first): chr4-87616226-TAGCAGTGAC-T. GRCh37 (hg19) VCF-style: chr4-88537378-TAGCAGTGAC-T.
Identifiers: ClinVar variation 2654926 (VCV002654926.24), dbSNP rs765237365, ClinGen allele CA3001790.